The following is an entry in ClinVar:

NM_001330360.2(POLA1):c.3821C>G (p.Thr1274Ser)

Gene: POLA1 (DNA polymerase alpha 1, catalytic subunit; plus strand). Cytogenetic location: Xp22.11.
Variant type: single nucleotide variant.
Coding change: c.3821C>G on transcript NM_001330360.2 (MANE Select); coding-DNA position 3821, C replaced by G.
Protein change: p.Thr1274Ser; replaces threonine 1274 with serine.
Molecular consequence: missense variant. On other transcripts: non-coding transcript variant (2).
Genome position (GRCh38, 1-based): chrX:24,841,736, C>G. VCF-style: chrX-24841736-C-G. GRCh37 (hg19) VCF-style: chrX-24859853-C-G.
Other names: c.3746C>G, p.Thr1249Ser (NM_001378303.1); c.3803C>G, p.Thr1268Ser (NM_016937.4); short protein forms T1268S, T1249S, T1274S.
Identifiers: ClinVar variation 1358199 (VCV001358199.8), dbSNP rs2147061499, ClinGen allele CA412608091.
Genomic context (GRCh38, chrX:24,841,736, plus strand): 5'-TTCATCATTATCATAAAGATGAAGAGAATGATGCTCTACTTGGTGGCCCAGCACAGCTCA[C>G]TGATGAAGAGAAATACAGGGACTGTGAAAGATTCAAATGTCCATGCCCTACATGTGGAAC-3'
Protein context (NP_001317289.1, residues 1264-1284): DALLGGPAQL[Thr1274Ser]DEEKYRDCER

ClinVar aggregate classification (germline): Uncertain significance (1 of 4 stars; one submission).

Submission:

Labcorp Genetics (formerly Invitae), Labcorp
Classification: Uncertain significance. Last evaluated: 2023-11-28. Review status: criteria provided, single submitter. Criteria: Invitae Variant Classification Sherloc (09022015). Collection method: clinical testing. Allele origin: germline.
Comment: This sequence change replaces threonine, which is neutral and polar, with serine, which is neutral and polar, at codon 1268 of the POLA1 protein (p.Thr1268Ser). This variant is not present in population databases (gnomAD no frequency). This variant has not been reported in the literature in individuals affected with POLA1-related conditions. ClinVar contains an entry for this variant (Variation ID: 1358199). Advanced modeling of protein sequence and biophysical properties (such as structural, functional, and spatial information, amino acid conservation, physicochemical variation, residue mobility, and thermodynamic stability) performed at Invitae indicates that this missense variant is not expected to disrupt POLA1 protein function with a negative predictive value of 80%. In summary, the available evidence is currently insufficient to determine the role of this variant in disease. Therefore, it has been classified as a Variant of Uncertain Significance.